The following is an entry in ClinVar:

ClinVar aggregate classification (germline): Likely benign. Review status: criteria provided, single submitter (1 of 4 stars). 2 submissions from 2 submitters: Likely benign (1). 1 of the submissions does not count toward it. Last evaluated 2026-05-01.

Conditions:
OGDHL-related disorder. Also called: OGDHL-related condition.

Allele frequency attached by ClinVar (database versions not stated): gnomAD 0.00001; TOPMed 0.00004; gnomAD exomes 0.00007; ExAC 0.00012; 1000 Genomes Project 0.00020; 1000 Genomes Project 30x 0.00031.
gnomAD v4.1: 46 of 1,613,860 alleles (0.0029%); highest among the groups gnomAD compares: Admixed American, 0.077%; no homozygotes.

Submissions (2):

CeGaT Center for Human Genetics Tuebingen
Classification: Likely benign. Last evaluated: 2026-05-01. Review status: criteria provided, single submitter. Criteria: CeGaT Center For Human Genetics Tuebingen Variant Classification Criteria Version 2. Collection method: clinical testing. Allele origin: germline. Affected: yes. Observed: 1 variant allele.
Comment: OGDHL: BP4, BP7

PreventionGenetics, part of Exact Sciences
Classification: Likely benign for OGDHL-related condition. Last evaluated: 2019-03-22. Review status: no assertion criteria provided. Collection method: clinical testing. Allele origin: germline. Not counted in ClinVar's aggregate classification.
Comment: This variant is classified as likely benign based on ACMG/AMP sequence variant interpretation guidelines (Richards et al. 2015 PMID: 25741868, with internal and published modifications).

NM_018245.3(OGDHL):c.2640C>T (p.Ala880=)

Gene: OGDHL (oxoglutarate dehydrogenase L; minus strand). Cytogenetic location: 10q11.23.
Variant type: single nucleotide variant.
Coding change: c.2640C>T on transcript NM_018245.3 (MANE Select); coding-DNA position 2640, C replaced by T.
Protein change: p.Ala880=; no amino-acid change (alanine 880 retained).
Molecular consequence: synonymous variant. On other transcripts: non-coding transcript variant (5).
Genome position (GRCh38, 1-based): chr10:49,736,471, G>A on the plus strand (C>T on the coding strand, the complement: OGDHL is on the minus strand). VCF-style: chr10-49736471-G-A. GRCh37 (hg19) VCF-style: chr10-50944517-G-A.
Other names: c.2469C>T, p.Ala823= (NM_001143996.2, NM_001347820.1); c.2013C>T, p.Ala671= (NM_001143997.2, NM_001347821.2, NM_001347822.1); c.2640C>T, p.Ala880= (NM_001347819.1); c.2460C>T, p.Ala820= (NM_001347823.1, NM_001347824.2); c.1833C>T, p.Ala611= (NM_001347825.2); c.1443C>T, p.Ala481= (NM_001347826.1).
Identifiers: ClinVar variation 3051431 (VCV003051431.4), dbSNP rs200463642, ClinGen allele CA5498074.